The following is an entry in ClinVar:

ClinVar aggregate classification (germline): Likely pathogenic. Review status: criteria provided, single submitter (1 of 4 stars). 2 submissions from 2 submitters: Likely pathogenic (1). 1 of the submissions does not count toward it. Last evaluated 2023-02-11.

Conditions:
Bardet-Biedl syndrome (BBS). Identifiers: Orphanet 110, MedGen C0752166, MONDO:0015229.

Submissions (2):

Labcorp Genetics (formerly Invitae), Labcorp
Classification: Likely pathogenic for Bardet-Biedl syndrome. Last evaluated: 2023-02-11. Review status: criteria provided, single submitter. Criteria: Invitae Variant Classification Sherloc (09022015). Collection method: clinical testing. Allele origin: germline.
Comment: This sequence change affects a donor splice site in intron 11 of the BBS1 gene. It is expected to disrupt RNA splicing. Variants that disrupt the donor or acceptor splice site typically lead to a loss of protein function (PMID: 16199547), and loss-of-function variants in BBS1 are known to be pathogenic (PMID: 12118255, 21520335, 27032803). This variant is not present in population databases (gnomAD no frequency). This variant has not been reported in the literature in individuals affected with BBS1-related conditions. ClinVar contains an entry for this variant (Variation ID: 591493). Algorithms developed to predict the effect of sequence changes on RNA splicing suggest that this variant may disrupt the consensus splice site. In summary, the currently available evidence indicates that the variant is pathogenic, but additional data are needed to prove that conclusively. Therefore, this variant has been classified as Likely Pathogenic.

Gharavi Laboratory, Columbia University
Classification: Uncertain significance. Last evaluated: 2018-09-16. Review status: no assertion criteria provided. Criteria: ACMG Guidelines, 2015. Collection method: research. Allele origin: germline. Affected: yes. Not counted in ClinVar's aggregate classification.

Literature cited by the submitters: PubMed 16199547 (cited by Labcorp Genetics (formerly Invitae), Labcorp); PubMed 12118255 (cited by Labcorp Genetics (formerly Invitae), Labcorp); PubMed 21520335 (cited by Labcorp Genetics (formerly Invitae), Labcorp); PubMed 27032803 (cited by Labcorp Genetics (formerly Invitae), Labcorp).

NM_024649.5(BBS1):c.1110+2T>G

Genes: BBS1 (Bardet-Biedl syndrome 1; plus strand), ZDHHC24 (zDHHC palmitoyltransferase 24; minus strand). Cytogenetic location: 11q13.2.
Variant type: single nucleotide variant.
Coding change: c.1110+2T>G on transcript NM_024649.5 (MANE Select); the canonical splice donor site of the intron after coding-DNA position 1110, T replaced by G.
Molecular consequence: splice donor variant. On other transcripts: intron variant (1).
Genome position (GRCh38, 1-based): chr11:66,523,884, T>G. VCF-style: chr11-66523884-T-G. GRCh37 (hg19) VCF-style: chr11-66291355-T-G.
Other names: c.*22-2418A>C (NM_001348571.2).
Identifiers: ClinVar variation 591493 (VCV000591493.10), dbSNP rs1565286223, ClinGen allele CA381463104.
Genomic context (GRCh38, chr11:66,523,884, plus strand): 5'-CCAATGGAGAGGTCCGCATTTATCGTGACAAGGCCCTGCTCAATGTCATCCACACCCCGG[T>G]GAGCCCCATCTCCGGCATCTGCCACTCACTCCTCCTTGCCCTCGTCTCACCTCTGGGGCT-3'